The following is an entry in ClinVar:

NM_000701.8(ATP1A1):c.628G>A (p.Gly210Ser)

Gene: ATP1A1 (ATPase Na+/K+ transporting subunit alpha 1; plus strand). Cytogenetic location: 1p13.1.
Variant type: single nucleotide variant.
Coding change: c.628G>A on transcript NM_000701.8 (MANE Select); coding-DNA position 628, G replaced by A.
Protein change: p.Gly210Ser; replaces glycine 210 with serine.
Molecular consequence: missense variant.
Genome position (GRCh38, 1-based): chr1:116,388,764, G>A. VCF-style: chr1-116388764-G-A. GRCh37 (hg19) VCF-style: chr1-116931386-G-A.
Other names: c.628G>A, p.Gly210Ser (NM_001160233.2); c.535G>A, p.Gly179Ser (NM_001160234.2); short protein forms G179S, G210S.
Identifiers: ClinVar variation 3641405 (VCV003641405.2).

ClinVar aggregate classification (germline): Uncertain significance (1 of 4 stars; one submission).

Submission:

Labcorp Genetics (formerly Invitae), Labcorp
Classification: Uncertain significance. Last evaluated: 2025-02-18. Review status: criteria provided, single submitter. Criteria: Invitae Variant Classification Sherloc (09022015). Collection method: clinical testing. Allele origin: germline.
Comment: This sequence change replaces glycine, which is neutral and non-polar, with serine, which is neutral and polar, at codon 210 of the ATP1A1 protein (p.Gly210Ser). This variant is not present in population databases (gnomAD no frequency). This variant has not been reported in the literature in individuals affected with ATP1A1-related conditions. Invitae Evidence Modeling of protein sequence and biophysical properties (such as structural, functional, and spatial information, amino acid conservation, physicochemical variation, residue mobility, and thermodynamic stability) indicates that this missense variant is not expected to disrupt ATP1A1 protein function with a negative predictive value of 95%. In summary, the available evidence is currently insufficient to determine the role of this variant in disease. Therefore, it has been classified as a Variant of Uncertain Significance.